The following is an entry in ClinVar:

ClinVar aggregate classification (germline): Uncertain significance. Review status: criteria provided, multiple submitters, no conflicts (2 of 4 stars). 3 submissions from 3 submitters: Uncertain significance (2). 1 of the submissions does not count toward it. Last evaluated 2023-05-31.

Conditions:
Inborn genetic diseases. Identifiers: MedGen C0950123, MeSH D030342.
Cohen syndrome (COH1). Also called: PEPPER SYNDROME; Cutis verticis gyrata, retinitis pigmentosa, and sensorineural deafness. Identifiers: Orphanet 193, MedGen C0265223, MONDO:0008999, OMIM 216550.

Allele frequency attached by ClinVar (database versions not stated): gnomAD exomes below 0.00001; TOPMed below 0.00001; gnomAD 0.00001.
gnomAD v4.1: 1 of 1,612,888 alleles (0.000062%); highest among the groups gnomAD compares: East Asian, 0.0022%; no homozygotes.

Submissions (3):

Ambry Genetics
Classification: Uncertain significance for Inborn genetic diseases. Last evaluated: 2023-05-31. Review status: criteria provided, single submitter. Criteria: Ambry Variant Classification Scheme 2023. Collection method: clinical testing. Allele origin: germline.

Labcorp Genetics (formerly Invitae), Labcorp
Classification: Uncertain significance for Cohen syndrome. Last evaluated: 2018-04-27. Review status: criteria provided, single submitter. Criteria: Invitae Variant Classification Sherloc (09022015). Collection method: clinical testing. Allele origin: germline.
Comment: This sequence change replaces proline with leucine at codon 922 of the VPS13B protein (p.Pro922Leu). The proline residue is moderately conserved and there is a moderate physicochemical difference between proline and leucine. This variant is not present in population databases (ExAC no frequency). This variant has not been reported in the literature in individuals with VPS13B-related disease. Algorithms developed to predict the effect of missense changes on protein structure and function do not agree on the potential impact of this missense change (SIFT: "Deleterious"; PolyPhen-2: "Probably Damaging"; Align-GVGD: "Class C0"). In summary, the available evidence is currently insufficient to determine the role of this variant in disease. Therefore, it has been classified as a Variant of Uncertain Significance.

Natera, Inc.
Classification: Uncertain significance for Cohen syndrome. Last evaluated: 2020-09-16. Review status: no assertion criteria provided. Collection method: clinical testing. Allele origin: germline. Not counted in ClinVar's aggregate classification.

NM_152564.5(VPS13B):c.2765C>T (p.Pro922Leu)

Gene: VPS13B (vacuolar protein sorting 13 homolog B; plus strand). Cytogenetic location: 8q22.2.
Variant type: single nucleotide variant.
Coding change: c.2765C>T on transcript NM_152564.5 (MANE Select); coding-DNA position 2765, C replaced by T.
Protein change: p.Pro922Leu; replaces proline 922 with leucine.
Molecular consequence: missense variant.
Genome position (GRCh38, 1-based): chr8:99,275,195, C>T. VCF-style: chr8-99275195-C-T. GRCh37 (hg19) VCF-style: chr8-100287423-C-T.
Other names: c.2765C>T, p.Pro922Leu (NM_017890.5); c.2765C>T (NM_017890.3); short protein forms P922L.
Identifiers: ClinVar variation 568741 (VCV000568741.4), dbSNP rs1378379268, ClinGen allele CA371862688.
Genomic context (GRCh38, chr8:99,275,195, plus strand): 5'-AAGACCTTCATAGCACCAAGTGGCTCAATGAGAGTAGAAAGCCAGAGTCTCTCTTAGCTC[C>T]AGATTTGATGGCCTTCACAATCCAAGTTCCACAATATATTGACTACTGCCACAATTCCGG-3'
Protein context (NP_689777.3, residues 912-932): ESRKPESLLA[Pro922Leu]DLMAFTIQVP